The following is an entry in ClinVar:

NM_020759.3(STARD9):c.8912C>T (p.Ser2971Phe)

Gene: STARD9 (StAR related lipid transfer domain containing 9; plus strand). Cytogenetic location: 15q15.2.
Variant type: single nucleotide variant.
Coding change: c.8912C>T on transcript NM_020759.3 (MANE Select); coding-DNA position 8912, C replaced by T.
Protein change: p.Ser2971Phe; replaces serine 2971 with phenylalanine.
Molecular consequence: missense variant.
Genome position (GRCh38, 1-based): chr15:42,690,490, C>T. VCF-style: chr15-42690490-C-T. GRCh37 (hg19) VCF-style: chr15-42982688-C-T.
Other names: short protein forms S2971F.
Identifiers: ClinVar variation 746499 (VCV000746499.6), dbSNP rs1420107550, ClinGen allele CA392067064.

ClinVar aggregate classification (germline): Conflicting classifications of pathogenicity. Review status: criteria provided, conflicting classifications (1 of 4 stars). 3 submissions from 3 submitters: Uncertain significance (1); Likely benign (2). Last evaluated 2025-10-14.

Conditions:
STARD9-related disorder. Also called: STARD9-related condition.

Allele frequency attached by ClinVar (database versions not stated): gnomAD exomes 0.00002 and 0.00018; TOPMed 0.00006; gnomAD 0.00007.
gnomAD v4.1: 39 of 1,537,094 alleles (0.0025%); highest among the groups gnomAD compares: East Asian, 0.093%; no homozygotes.

Submissions (3):

PreventionGenetics, part of Exact Sciences
Classification: Likely benign for STARD9-related condition. Last evaluated: 2025-10-14. Review status: criteria provided, single submitter. Criteria: ACMG Guidelines, 2015. Collection method: clinical testing. Allele origin: germline.
Comment: This variant is classified as likely benign based on ACMG/AMP sequence variant interpretation guidelines (Richards et al. 2015 PMID: 25741868, with internal and published modifications).

Ambry Genetics
Classification: Uncertain significance. Last evaluated: 2022-09-13. Review status: criteria provided, single submitter. Criteria: Ambry Variant Classification Scheme 2023. Collection method: clinical testing. Allele origin: germline.

Labcorp Genetics (formerly Invitae), Labcorp
Classification: Likely benign. Last evaluated: 2018-08-15. Review status: criteria provided, single submitter. Criteria: Invitae Variant Classification Sherloc (09022015). Collection method: clinical testing. Allele origin: germline.